The following is an entry in ClinVar:

ClinVar aggregate classification (germline): Uncertain significance. Review status: criteria provided, multiple submitters, no conflicts (2 of 4 stars). 3 submissions from 3 submitters: Uncertain significance (3). Last evaluated 2024-05-07.

Conditions:
Hereditary cancer-predisposing syndrome. Also called: Neoplastic Syndromes, Hereditary; Hereditary neoplastic syndrome; Tumor predisposition; Hereditary Cancer Syndrome. Identifiers: Orphanet 140162, MedGen C0027672, MeSH D009386, MONDO:0015356.
Nijmegen breakage syndrome-like disorder (NBSLD). Also called: MICROCEPHALY AND SPONTANEOUS CHROMOSOME INSTABILITY WITHOUT IMMUNODEFICIENCY; NBS-LIKE DISORDER; RAD50 DEFICIENCY. Identifiers: Orphanet 240760, MedGen C2751318, MONDO:0013118, OMIM 613078.

Allele frequency attached by ClinVar (database versions not stated): gnomAD exomes below 0.00001 and 0.00001; ExAC 0.00002; gnomAD 0.00003; TOPMed 0.00003.

Submissions (3):

Labcorp Genetics (formerly Invitae), Labcorp
Classification: Uncertain significance for Hereditary cancer-predisposing syndrome. Last evaluated: 2024-05-07. Review status: criteria provided, single submitter. Criteria: Invitae Variant Classification Sherloc (09022015). Collection method: clinical testing. Allele origin: germline.
Comment: This sequence change replaces methionine, which is neutral and non-polar, with arginine, which is basic and polar, at codon 1045 of the RAD50 protein (p.Met1045Arg). This variant is present in population databases (rs781678144, gnomAD 0.02%). This variant has not been reported in the literature in individuals affected with RAD50-related conditions. ClinVar contains an entry for this variant (Variation ID: 240232). Advanced modeling of protein sequence and biophysical properties (such as structural, functional, and spatial information, amino acid conservation, physicochemical variation, residue mobility, and thermodynamic stability) performed at Invitae indicates that this missense variant is expected to disrupt RAD50 protein function with a positive predictive value of 80%. In summary, the available evidence is currently insufficient to determine the role of this variant in disease. Therefore, it has been classified as a Variant of Uncertain Significance.

Fulgent Genetics
Classification: Uncertain significance for Nijmegen breakage syndrome-like disorder. Last evaluated: 2024-04-25. Review status: criteria provided, single submitter. Criteria: ACMG Guidelines, 2015. Collection method: clinical testing. Allele origin: germline.

Ambry Genetics
Classification: Uncertain significance for Hereditary cancer-predisposing syndrome. Last evaluated: 2018-11-09. Review status: criteria provided, single submitter. Criteria: Ambry Variant Classification Scheme 2023. Collection method: clinical testing. Allele origin: germline.
Comment: The p.M1045R variant (also known as c.3134T>G), located in coding exon 20 of the RAD50 gene, results from a T to G substitution at nucleotide position 3134. The methionine at codon 1045 is replaced by arginine, an amino acid with similar properties. This amino acid position is highly conserved in available vertebrate species. In addition, the in silico prediction for this alteration is inconclusive. Since supporting evidence is limited at this time, the clinical significance of this alteration remains unclear.

NM_005732.4(RAD50):c.3134T>G (p.Met1045Arg)

Gene: RAD50 (RAD50 double strand break repair protein; plus strand). Cytogenetic location: 5q31.1.
Variant type: single nucleotide variant.
Coding change: c.3134T>G on transcript NM_005732.4 (MANE Select); coding-DNA position 3134, T replaced by G.
Protein change: p.Met1045Arg; replaces methionine 1045 with arginine.
Molecular consequence: missense variant.
Genome position (GRCh38, 1-based): chr5:132,616,100, T>G. VCF-style: chr5-132616100-T-G. GRCh37 (hg19) VCF-style: chr5-131951792-T-G.
Other names: short protein forms M1045R.
Identifiers: ClinVar variation 240232 (VCV000240232.15), dbSNP rs781678144, ClinGen allele CA3405519.